The following is an entry in ClinVar:

NM_198994.3(TGM6):c.1307A>T (p.Asp436Val)

Gene: TGM6 (transglutaminase 6; plus strand). Cytogenetic location: 20p13.
Variant type: single nucleotide variant.
Coding change: c.1307A>T on transcript NM_198994.3 (MANE Select); coding-DNA position 1307, A replaced by T.
Protein change: p.Asp436Val; replaces aspartic acid 436 with valine.
Molecular consequence: missense variant.
Genome position (GRCh38, 1-based): chr20:2,403,794, A>T. VCF-style: chr20-2403794-A-T. GRCh37 (hg19) VCF-style: chr20-2384440-A-T.
Other names: c.1307A>T, p.Asp436Val (NM_001254734.2); short protein forms D436V.
Identifiers: ClinVar variation 3337669 (VCV003337669.2).
Genomic context (GRCh38, chr20:2,403,794, plus strand): 5'-ACACGAAGAAGATTGGGAGATGCATCAGCACCAAGGCGGTGGGCAGTGACTCCCGCGTGG[A>T]CATCACTGACCTCTACAAGTATCCGGAAGGTAAGGGCCACATGGCGGCCTTTATTACCTT-3'
Protein context (NP_945345.2, residues 426-446): TKAVGSDSRV[Asp436Val]ITDLYKYPEG

ClinVar aggregate classification (germline): Uncertain significance. Review status: criteria provided, multiple submitters, no conflicts (2 of 4 stars). 2 submissions from 2 submitters: Uncertain significance (2). Last evaluated 2022-05-27.

Conditions:
Spinocerebellar ataxia type 35. Identifiers: Orphanet 276193, MedGen C3888031, MONDO:0013485, OMIM 613908.

gnomAD v4.1: 4 of 1,614,194 alleles (0.00025%); highest among the groups gnomAD compares: African/African-American, 0.0027%; no homozygotes.

Submissions (2):

Clinical Genetics Laboratory, Skane University Hospital Lund
Classification: Uncertain significance. Last evaluated: 2022-05-27. Review status: criteria provided, single submitter. Criteria: ACMG Guidelines, 2015. Collection method: clinical testing. Allele origin: germline. Affected: yes.

Kariminejad - Najmabadi Pathology & Genetics Center
Classification: Uncertain significance for Spinocerebellar ataxia type 35. Last evaluated: 2019-10-13. Review status: criteria provided, single submitter. Criteria: ACMG Guidelines, 2015. Collection method: clinical testing. Allele origin: germline. Inheritance: Autosomal dominant inheritance. Affected: yes.
Comment: PM2, PP3